The following is an entry in ClinVar:

NM_001349253.2(SCN11A):c.1534G>A (p.Glu512Lys)

Gene: SCN11A (sodium voltage-gated channel alpha subunit 11; minus strand). Cytogenetic location: 3p22.2.
Variant type: single nucleotide variant.
Coding change: c.1534G>A on transcript NM_001349253.2 (MANE Select); coding-DNA position 1534, G replaced by A.
Protein change: p.Glu512Lys; replaces glutamic acid 512 with lysine.
Molecular consequence: missense variant.
Genome position (GRCh38, 1-based): chr3:38,905,261, C>T on the plus strand (G>A on the coding strand, the complement: SCN11A is on the minus strand). VCF-style: chr3-38905261-C-T. GRCh37 (hg19) VCF-style: chr3-38946752-C-T.
Other names: c.1534G>A, p.Glu512Lys (NM_014139.3); short protein forms E512K.
Identifiers: ClinVar variation 4988914 (VCV004988914.1).

ClinVar aggregate classification (germline): Uncertain significance (1 of 4 stars; one submission).

Conditions:
SCN11A-related disorder. Also called: SCN11A-related condition.

gnomAD v4.1: 3 of 1,613,992 alleles (0.00019%); highest among the groups gnomAD compares: East Asian, 0.0022%; no homozygotes.

Submission:

PreventionGenetics, part of Exact Sciences
Classification: Uncertain significance for SCN11A-related condition. Last evaluated: 2026-08-27. Review status: criteria provided, single submitter. Criteria: ACMG Guidelines, 2015. Collection method: clinical testing. Allele origin: germline.
Comment: The SCN11A c.1534G>A variant is predicted to result in the amino acid substitution p.Glu512Lys. To our knowledge, this variant has not been reported in the literature. This variant is reported in 1 of 31,4000 alleles in gnomAD. At this time, the clinical significance of this variant is uncertain due to the absence of conclusive functional and genetic evidence.